The following is an entry in ClinVar:

ClinVar aggregate classification (germline): Pathogenic. Review status: criteria provided, multiple submitters, no conflicts (2 of 4 stars). 2 submissions from 2 submitters: Pathogenic (2). Last evaluated 2025-09-09.

Conditions:
Polycystic kidney disease, adult type (PKD1). Also called: Polycystic Kidney Disease 1, Autosomal Dominant; Polycystic kidney disease 1; Polycystic kidney disease 1, severe; POLYCYSTIC KIDNEY DISEASE 1 WITH OR WITHOUT POLYCYSTIC LIVER DISEASE; POLYCYSTIC KIDNEY DISEASE, ADULT, TYPE I; Polycystic Kidney, Autosomal Dominant. Identifiers: MedGen C3149841, MONDO:0008263, OMIM 173900.

Submissions (2):

Women's Health and Genetics/Laboratory Corporation of America, LabCorp
Classification: Pathogenic for Polycystic kidney disease, adult type. Last evaluated: 2025-09-09. Review status: criteria provided, single submitter. Criteria: LabCorp Variant Classification Summary - May 2015. Collection method: clinical testing. Allele origin: germline.
Comment: Variant summary: PKD1 c.4935delC (p.Thr1646ProfsX76) results in a premature termination codon, predicted to cause a truncation of the encoded protein or absence of the protein due to nonsense mediated decay, which are commonly known mechanisms for disease. The variant was absent in 247668 control chromosomes. c.4935delC has been observed in individual(s) affected with Polycystic Kidney Disease 1 (example: Zacchia_2021). The following publication has been ascertained in the context of this evaluation (PMID: 33964006). ClinVar contains an entry for this variant (Variation ID: 3579475). Based on the evidence outlined above, the variant was classified as pathogenic.

Fulgent Genetics
Classification: Pathogenic for Polycystic kidney disease, adult type. Last evaluated: 2024-01-22. Review status: criteria provided, single submitter. Criteria: ACMG Guidelines, 2015. Collection method: clinical testing. Allele origin: germline.

Literature cited by the submitters: PubMed 33964006 (cited by Women's Health and Genetics/Laboratory Corporation of America, LabCorp).

NM_001009944.3(PKD1):c.4935del (p.Thr1646fs)

Gene: PKD1 (polycystin 1, transient receptor potential channel interacting; minus strand). Cytogenetic location: 16p13.3.
Variant type: Deletion.
Coding change: c.4935del on transcript NM_001009944.3 (MANE Select); coding-DNA position 4935, one base deleted (C; older notation c.4935delC).
Protein change: p.Thr1646fs; shifts the reading frame from threonine 1646.
Molecular consequence: frameshift variant.
Genome position (GRCh38, 1-based): chr16:2,110,232, G deleted on the plus strand (C on the coding strand, the reverse complement: PKD1 is on the minus strand); the first of 4 consecutive G bases (chr16:2,110,232-2,110,235); deleting any one gives the same sequence. VCF-style (leftmost placement, unchanged base first): chr16-2110231-TG-T. GRCh37 (hg19) VCF-style: chr16-2160232-TG-T.
Other names: c.4935delC (NM_001009944.3); c.4935del, p.Thr1646fs (NM_000296.4); short protein forms T1646fs.
Identifiers: ClinVar variation 3579475 (VCV003579475.2).